The following is an entry in ClinVar:

NM_020632.3(ATP6V0A4):c.1029+5G>A

Gene: ATP6V0A4 (ATPase H+ transporting V0 subunit a4; minus strand). Cytogenetic location: 7q34.
Variant type: single nucleotide variant.
Coding change: c.1029+5G>A on transcript NM_020632.3 (MANE Select); 5 bases into the intron after coding-DNA position 1029, G replaced by A.
Molecular consequence: intron variant.
Genome position (GRCh38, 1-based): chr7:138,752,620, C>T on the plus strand (G>A on the coding strand, the complement: ATP6V0A4 is on the minus strand). VCF-style: chr7-138752620-C-T. GRCh37 (hg19) VCF-style: chr7-138437365-C-T.
Other names: c.1029+5G>A (NM_130840.3, NM_130841.3).
Identifiers: ClinVar variation 908671 (VCV000908671.22), dbSNP rs147476317, ClinGen allele CA4504931.
Genomic context (GRCh38, chr7:138,752,620, plus strand): 5'-ACCCTCTGAGAGCCCAGCAGAGGGGCTGACTCATCGGACCCCTCCTGGCTCCACCTGCCA[C>T]GCACCATGCCTTGCTCCAGTGCCCTCTTGATACGTGTGGCATCTGCCACCGGGAACCAGA-3'

ClinVar aggregate classification (germline): Conflicting classifications of pathogenicity. Review status: criteria provided, conflicting classifications (1 of 4 stars). 8 submissions from 7 submitters: Pathogenic (1); Likely pathogenic (4); Uncertain significance (3). Last evaluated 2026-01-26.

Conditions:
Autosomal recessive distal renal tubular acidosis. Identifiers: Orphanet 402041, MedGen C1864498, MONDO:0018440.
Renal tubular acidosis, distal, 3, with or without sensorineural hearing loss (DRTA3). Identifiers: MedGen C5399980, MONDO:0011268, OMIM 602722.

Allele frequency attached by ClinVar (database versions not stated): gnomAD 0.00011 and 0.00019; TOPMed 0.00022; gnomAD exomes 0.00032 and 0.00050; ExAC 0.00056; 1000 Genomes Project 30x 0.00109; 1000 Genomes Project 0.00120.
gnomAD v4.1: 492 of 1,612,864 alleles (0.031%); highest among the groups gnomAD compares: East Asian, 0.94%; 2 homozygotes.

Submissions (9):

Labcorp Genetics (formerly Invitae), Labcorp
Classification: Likely pathogenic. Last evaluated: 2026-01-26. Review status: criteria provided, single submitter. Criteria: Invitae Variant Classification Sherloc (09022015). Collection method: clinical testing. Allele origin: germline.
Comment: This sequence change falls in intron 11 of the ATP6V0A4 gene. It does not directly change the encoded amino acid sequence of the ATP6V0A4 protein. RNA analysis indicates that this variant induces altered splicing and may result in an absent or altered protein product. This variant is present in population databases (rs147476317, gnomAD 0.6%), and has an allele count higher than expected for a pathogenic variant. This variant has been observed in individual(s) with renal tubular acidosis (PMID: 29202719, 29627839). In at least one individual the data is consistent with being in trans (on the opposite chromosome) from a pathogenic variant. ClinVar contains an entry for this variant (Variation ID: 908671). Variants that disrupt the consensus splice site are a relatively common cause of aberrant splicing (PMID: 17576681, 9536098). Studies have shown that this variant results in retention of 104bp in intron 11, and produces a non-functional protein and/or introduces a premature termination codon (PMID: 29202719). In summary, the currently available evidence indicates that the variant is pathogenic, but additional data are needed to prove that conclusively. Therefore, this variant has been classified as Likely Pathogenic.

3billion
Classification: Pathogenic for Renal tubular acidosis, distal, 3, with or without sensorineural hearing loss. Last evaluated: 2025-09-22. Review status: criteria provided, single submitter. Criteria: ACMG Guidelines, 2015. Collection method: clinical testing. Allele origin: germline. Affected: yes.
Comment: The variant is observed at an extremely low frequency in the gnomAD v4.1.0 dataset (total allele frequency: 0.031%). Predicted Consequence/Location: Intron variant Functional studies provide moderate evidence of the variant having a damaging effect on the gene or gene product (PMID: 29202719). In silico tools predict the variant to alter splicing and produce an abnormal transcript [SpliceAI: 0.82 (>=0.2, moderate evidence for spliceogenicity)]. The variant has been reported to be in trans with a pathogenic variant as either compound heterozygous or homozygous in at least one similarly affected unrelated individual (PMID: 29202719). The variant has been reported at least twice as pathogenic with clinical assertions and evidence for the classification (ClinVar ID: VCV000908671 /PMID: 29202719 /3billion dataset). Therefore, this variant is classified as Pathogenic according to the recommendation of ACMG/AMP guideline.

Women's Health and Genetics/Laboratory Corporation of America, LabCorp
Classification: Likely pathogenic for Autosomal recessive distal renal tubular acidosis. Last evaluated: 2025-05-16. Review status: criteria provided, single submitter. Criteria: LabCorp Variant Classification Summary - May 2015. Collection method: clinical testing. Allele origin: germline.
Comment: Variant summary: ATP6V0A4 c.1029+5G>A alters a conserved nucleotide located close to a canonical splice site and therefore could affect mRNA splicing, leading to a significantly altered protein sequence. Several computational tools predict a significant impact on normal splicing: Two predict the variant abolishes the canonical 5' splice donor site. Two predict the variant weakens the canonical 5' splice donor site. At least one publication reports experimental evidence that this variant affects mRNA splicing resulting in an insertion of 104 base pairs following exon 11 due to the usage of an alternate splice donor sequence located 104 bases downstream in intron 11 (at c.1029+105) (Yamamura_2017). Although this study reported an in vitro splicing assay using hybrid minigene construction, the same finding was confirmed using mRNA extracted from cultured leukocytes of the affected individual. The variant allele was found at a frequency of 0.0005 in 250110 control chromosomes, predominantly at a frequency of 0.006 within the East Asian subpopulation in the gnomAD database. The observed variant frequency within East Asian control individuals in the gnomAD database is approximately 5 fold of the estimated maximal expected allele frequency for a pathogenic variant in ATP6V0A4 causing Renal Tubular Acidosis, Distal, Autosomal Recessive phenotype (0.0011). c.1029+5G>A has been reported in the literature as a purely compound heterozygous genotype in at-least four individuals of Japanese, Korean and Chinese ancestry affected with distal renal tubular acidosis (example, Yamamura_2017, Park_2018, Guo_2021). Both these individuals also harbored a different variant, namely c.1185delC and c.580C>T (p.Arg194*) respectively on the opposite allele (in trans). These data indicate that the variant is likely to be associated with disease. The following publications have been ascertained in the context of this evaluation (PMID: 34159584, 29627839, 29202719, 39382926). ClinVar contains an entry for this variant (Variation ID: 908671). Based on the evidence outlined above, the variant was classified as likely pathogenic.

Fulgent Genetics
Classification: Likely pathogenic for Renal tubular acidosis, distal, 3, with or without sensorineural hearing loss. Last evaluated: 2024-06-24. Review status: criteria provided, single submitter. Criteria: ACMG Guidelines, 2015. Collection method: clinical testing. Allele origin: germline.

Illumina Laboratory Services, Illumina
Classification: Uncertain significance for Renal tubular acidosis, distal, 3, with or without sensorineural hearing loss. Last evaluated: 2024-04-24. Review status: criteria provided, single submitter. Criteria: ICSLVariantClassificationCriteria RUGD 01 April 2020. Collection method: clinical testing. Allele origin: unknown.

GeneDx
Classification: Uncertain significance. Last evaluated: 2022-06-24. Review status: criteria provided, single submitter. Criteria: GeneDx Variant Classification Process June 2021. Collection method: clinical testing. Allele origin: germline. Affected: yes.
Comment: Observed with a second variant (phase unknown) in unrelated patients with distal renal tubular acidosis in published literature (Zheng et al., 2016; Park et al., 2018); Non-canonical splice site variant demonstrated to result in loss of function (Yamamura et al., 2017); This variant is associated with the following publications: (PMID: 34426522, 34159584, Zheng[Article]2016, 29627839, 29202719)

Fulgent Genetics
Classification: Likely pathogenic for Renal tubular acidosis, distal, 3, with or without sensorineural hearing loss. Last evaluated: 2021-06-30. Review status: criteria provided, single submitter. Criteria: ACMG Guidelines, 2015. Collection method: clinical testing. Allele origin: unknown.
Comment: This variant has been detected in individual(s) who were sent for testing of Renasight - kidney gene panel.

Juno Genomics, Hangzhou Juno Genomics, Inc
Classification: Uncertain significance for Renal tubular acidosis, distal, 3, with or without sensorineural hearing loss. Review status: criteria provided, single submitter. Criteria: ACMG Guidelines, 2015. Collection method: clinical testing. Allele origin: germline.
Comment: Allele frequency is greater than expected for disorder.;Observed in a healthy adult individual for a recessive/dominant/X-linked disorder with full penetrance.;Null variant in a gene where loss of function (LOF) is a known mechanism of disease.;For recessive disorders, detected in trans with a pathogenic variant.;Patient's phenotype or family history is highly specific for a disease with a single genetic etiology.

Dr. Peter K. Rogan Lab, Western University
No classification provided (evidence only). Condition: Hepatocellular carcinoma. Review status: no classification provided. Collection method: in vitro. Allele origin: not applicable. Functional consequence: retained intron. Not counted in ClinVar's aggregate classification.

Literature cited by the submitters: PubMed 29202719 (cited by 3 submitters); PubMed 29627839 (cited by Labcorp Genetics (formerly Invitae), Labcorp and Women's Health and Genetics/Laboratory Corporation of America, LabCorp); PubMed 17576681 (cited by Labcorp Genetics (formerly Invitae), Labcorp); PubMed 9536098 (cited by Labcorp Genetics (formerly Invitae), Labcorp); PubMed 34159584 (cited by Women's Health and Genetics/Laboratory Corporation of America, LabCorp); PubMed 39382926 (cited by Women's Health and Genetics/Laboratory Corporation of America, LabCorp).